The following is an entry in ClinVar:

NM_017909.4(RMND1):c.850A>G (p.Arg284Gly)

Gene: RMND1 (required for meiotic nuclear division 1 homolog; minus strand). Cytogenetic location: 6q25.1.
Variant type: single nucleotide variant.
Coding change: c.850A>G on transcript NM_017909.4 (MANE Select); coding-DNA position 850, A replaced by G.
Protein change: p.Arg284Gly; replaces arginine 284 with glycine.
Molecular consequence: missense variant.
Genome position (GRCh38, 1-based): chr6:151,423,612, T>C on the plus strand (A>G on the coding strand, the complement: RMND1 is on the minus strand). VCF-style: chr6-151423612-T-C. GRCh37 (hg19) VCF-style: chr6-151744747-T-C.
Other names: c.340A>G, p.Arg114Gly (NM_001271937.2); c.850A>G (NM_017909.3); short protein forms R114G, R284G.
Identifiers: ClinVar variation 3154820 (VCV003154820.3), dbSNP rs1210968863, ClinGen allele CA366060820.

ClinVar aggregate classification (germline): Uncertain significance. Review status: criteria provided, multiple submitters, no conflicts (2 of 4 stars). 3 submissions from 3 submitters: Uncertain significance (3). Last evaluated 2026-04-23.

Conditions:
RMND1-related disorder. Also called: RMND1-related condition.
Inborn genetic diseases. Identifiers: MedGen C0950123, MeSH D030342.
Combined oxidative phosphorylation defect type 11. Also called: Combined oxidative phosphorylation deficiency 11; ENCEPHALONEUROMYOPATHY, INFANTILE, DUE TO MITOCHONDRIAL TRANSLATION DEFECT. Identifiers: Orphanet 324535, MedGen C5190991, MONDO:0013969, OMIM 614922.

Allele frequency attached by ClinVar (database versions not stated): gnomAD 0.00001; TOPMed 0.00001; gnomAD exomes 0.00002.
gnomAD v4.1: 25 of 1,613,296 alleles (0.0015%); highest among the groups gnomAD compares: Non-Finnish European, 0.0021%; no homozygotes.

Submissions (3):

PreventionGenetics, part of Exact Sciences
Classification: Uncertain significance for RMND1-related condition. Last evaluated: 2026-04-23. Review status: criteria provided, single submitter. Criteria: ACMG Guidelines, 2015. Collection method: clinical testing. Allele origin: germline.
Comment: The RMND1 c.850A>G variant is predicted to result in the amino acid substitution p.Arg284Gly. To our knowledge, this variant has not been reported in the literature. This variant is reported in 0.0026% of alleles in individuals of European (Non-Finnish) descent in gnomAD. At this time, the clinical significance of this variant is uncertain due to the absence of conclusive functional and genetic evidence.

Fulgent Genetics
Classification: Uncertain significance for Combined oxidative phosphorylation defect type 11. Last evaluated: 2024-04-05. Review status: criteria provided, single submitter. Criteria: ACMG Guidelines, 2015. Collection method: clinical testing. Allele origin: germline.

Ambry Genetics
Classification: Uncertain significance for Inborn genetic diseases. Last evaluated: 2023-11-21. Review status: criteria provided, single submitter. Criteria: Ambry Variant Classification Scheme 2023. Collection method: clinical testing. Allele origin: germline.